The following is an entry in ClinVar:

ClinVar aggregate classification (germline): Uncertain significance. Review status: criteria provided, multiple submitters, no conflicts (2 of 4 stars). 3 submissions from 3 submitters: Uncertain significance (3). Last evaluated 2025-08-27.

Conditions:
Charcot-Marie-Tooth disease type 2. Also called: Charcot-Marie-Tooth type 2. Identifiers: Orphanet 64746, MedGen C0270914, MONDO:0018993.

Allele frequency attached by ClinVar (database versions not stated): gnomAD 0.00001; TOPMed 0.00001.
gnomAD v4.1: 3 of 1,613,984 alleles (0.00019%); highest among the groups gnomAD compares: African/African-American, 0.0013%; no homozygotes.

Submissions (3):

Labcorp Genetics (formerly Invitae), Labcorp
Classification: Uncertain significance for Charcot-Marie-Tooth disease type 2. Last evaluated: 2025-08-27. Review status: criteria provided, single submitter. Criteria: Invitae Variant Classification Sherloc (09022015). Collection method: clinical testing. Allele origin: germline.
Comment: This sequence change replaces valine, which is neutral and non-polar, with methionine, which is neutral and non-polar, at codon 250 of the BSCL2 protein (p.Val250Met). This variant is not present in population databases (gnomAD no frequency). This missense change has been observed in individual(s) with spastic ataxia (PMID: 29482223). This variant is also known as Val314Met. ClinVar contains an entry for this variant (Variation ID: 851343). Invitae Evidence Modeling of protein sequence and biophysical properties (such as structural, functional, and spatial information, amino acid conservation, physicochemical variation, residue mobility, and thermodynamic stability) has been performed for this missense variant. However, the output from this modeling did not meet the statistical confidence thresholds required to predict the impact of this variant on BSCL2 protein function. In summary, the available evidence is currently insufficient to determine the role of this variant in disease. Therefore, it has been classified as a Variant of Uncertain Significance.

Mayo Clinic Laboratories, Mayo Clinic
Classification: Uncertain significance. Last evaluated: 2024-09-20. Review status: criteria provided, single submitter. Criteria: ACMG Guidelines, 2015. Collection method: clinical testing. Allele origin: germline. Observed: 1 variant allele.
Comment: PM2

Revvity Omics, Revvity
Classification: Uncertain significance. Last evaluated: 2024-09-06. Review status: criteria provided, single submitter. Criteria: ACMG Guidelines, 2015. Collection method: clinical testing. Allele origin: germline.

Literature cited by the submitters: PubMed 29482223 (cited by Labcorp Genetics (formerly Invitae), Labcorp and Mayo Clinic Laboratories, Mayo Clinic).

NM_001122955.4(BSCL2):c.940G>A (p.Val314Met)

Genes: BSCL2 (BSCL2 lipid droplet biogenesis associated, seipin; minus strand), HNRNPUL2-BSCL2 (HNRNPUL2-BSCL2 readthrough (NMD candidate); minus strand). Cytogenetic location: 11q12.3.
Variant type: single nucleotide variant.
Coding change: c.940G>A on transcript NM_001122955.4 (MANE Select); coding-DNA position 940, G replaced by A.
Protein change: p.Val314Met; replaces valine 314 with methionine.
Molecular consequence: missense variant. On other transcripts: non-coding transcript variant (1), intron variant (1).
Genome position (GRCh38, 1-based): chr11:62,691,345, C>T on the plus strand (G>A on the coding strand, the complement: BSCL2 is on the minus strand). VCF-style: chr11-62691345-C-T. GRCh37 (hg19) VCF-style: chr11-62458817-C-T.
Other names: p.Val250Met; c.940G>A, p.Val314Met (NM_001386027.1, NM_001386028.1); c.748G>A, p.Val250Met (NM_032667.6); c.672-204G>A (NM_001130702.2); short protein forms V250M, V314M.
Identifiers: ClinVar variation 851343 (VCV000851343.11), dbSNP rs916916343, ClinGen allele CA223628862.